The following is an entry in ClinVar:

NM_020911.2(PLXNA4):c.2604C>A (p.Gly868=)

Gene: PLXNA4 (plexin A4; minus strand). Cytogenetic location: 7q32.3.
Variant type: single nucleotide variant.
Coding change: c.2604C>A on transcript NM_020911.2 (MANE Select); coding-DNA position 2604, C replaced by A.
Protein change: p.Gly868=; no amino-acid change (glycine 868 retained).
Molecular consequence: synonymous variant.
Genome position (GRCh38, 1-based): chr7:132,198,619, G>T on the plus strand (C>A on the coding strand, the complement: PLXNA4 is on the minus strand). VCF-style: chr7-132198619-G-T. GRCh37 (hg19) VCF-style: chr7-131883378-G-T.
Other names: c.2604C>A, p.Gly868= (NM_001393897.1).
Identifiers: ClinVar variation 4986171 (VCV004986171.1).
Genomic context (GRCh38, chr7:132,198,619, plus strand): 5'-GCGAAATTCCAGGCCCAGGTTCTCCCCTCGGATAGTGACCTTGGTGCCCCCTTCCCGGGG[G>T]CCTGTCACCGGGATTATCTGGAGGGAGGAAGAGAAATAATTAGACAAACACCAAGATACT-3'
Protein context (NP_065962.1, residues 858-878): PRITEIIPVT[Gly868=]PREGGTKVTI

ClinVar aggregate classification (germline): Likely benign (1 of 4 stars; one submission).

Conditions:
PLXNA4-related disorder. Also called: PLXNA4-related condition.

Submission:

PreventionGenetics, part of Exact Sciences
Classification: Likely benign for PLXNA4-related condition. Last evaluated: 2025-02-13. Review status: criteria provided, single submitter. Criteria: ACMG Guidelines, 2015. Collection method: clinical testing. Allele origin: germline.
Comment: This variant is classified as likely benign based on ACMG/AMP sequence variant interpretation guidelines (Richards et al. 2015 PMID: 25741868, with internal and published modifications).